The following is an entry in ClinVar:

NM_182641.4(BPTF):c.650C>T (p.Pro217Leu)

Gene: BPTF (bromodomain PHD finger transcription factor; plus strand). Cytogenetic location: 17q24.2.
Variant type: single nucleotide variant.
Coding change: c.650C>T on transcript NM_182641.4 (MANE Select); coding-DNA position 650, C replaced by T.
Protein change: p.Pro217Leu; replaces proline 217 with leucine.
Molecular consequence: missense variant.
Genome position (GRCh38, 1-based): chr17:67,853,976, C>T. VCF-style: chr17-67853976-C-T. GRCh37 (hg19) VCF-style: chr17-65850092-C-T.
Other names: c.650C>T, p.Pro217Leu (NM_004459.7); short protein forms P217L.
Identifiers: ClinVar variation 2832208 (VCV002832208.3), dbSNP rs2510089297, ClinGen allele CA400719626.

ClinVar aggregate classification (germline): Uncertain significance (1 of 4 stars; one submission).

gnomAD v4.1: 1 of 1,613,974 alleles (0.000062%); highest among the groups gnomAD compares: South Asian, 0.0011%; no homozygotes.

Submission:

Labcorp Genetics (formerly Invitae), Labcorp
Classification: Uncertain significance. Last evaluated: 2023-01-26. Review status: criteria provided, single submitter. Criteria: Invitae Variant Classification Sherloc (09022015). Collection method: clinical testing. Allele origin: germline.
Comment: This sequence change replaces proline, which is neutral and non-polar, with leucine, which is neutral and non-polar, at codon 217 of the BPTF protein (p.Pro217Leu). This variant is not present in population databases (gnomAD no frequency). This variant has not been reported in the literature in individuals affected with BPTF-related conditions. Algorithms developed to predict the effect of missense changes on protein structure and function are either unavailable or do not agree on the potential impact of this missense change (SIFT: "Tolerated"; PolyPhen-2: "Probably Damaging"; Align-GVGD: "Class C0"). In summary, the available evidence is currently insufficient to determine the role of this variant in disease. Therefore, it has been classified as a Variant of Uncertain Significance.